The following is an entry in ClinVar:

ClinVar aggregate classification (germline): Uncertain significance. Review status: criteria provided, multiple submitters, no conflicts (2 of 4 stars). 4 submissions from 4 submitters: Uncertain significance (4). Last evaluated 2026-01-01.

Conditions:
Cardiovascular phenotype. Identifiers: MedGen CN230736.
Hereditary cancer-predisposing syndrome. Also called: Neoplastic Syndromes, Hereditary; Hereditary Cancer Syndrome; Tumor predisposition; Hereditary neoplastic syndrome. Identifiers: Orphanet 140162, MedGen C0027672, MeSH D009386, MONDO:0015356.
Neurofibromatosis, type 1 (NF1). Also called: Peripheral type neurofibromatosis; VON RECKLINGHAUSEN DISEASE; NEUROFIBROMATOSIS, TYPE I, SOMATIC; Neurofibromatosis, type I. Identifiers: Orphanet 636, MedGen C0027831, MONDO:0018975, OMIM 162200. Disease mechanism: loss of function.

Submissions (4):

Labcorp Genetics (formerly Invitae), Labcorp
Classification: Uncertain significance for Neurofibromatosis, type 1. Last evaluated: 2026-01-01. Review status: criteria provided, single submitter. Criteria: Invitae Variant Classification Sherloc (09022015). Collection method: clinical testing. Allele origin: germline.
Comment: This sequence change replaces alanine, which is neutral and non-polar, with glycine, which is neutral and non-polar, at codon 966 of the NF1 protein (p.Ala966Gly). This variant is not present in population databases (gnomAD no frequency). This variant has not been reported in the literature in individuals affected with NF1-related conditions. ClinVar contains an entry for this variant (Variation ID: 584929). Invitae Evidence Modeling of protein sequence and biophysical properties (such as structural, functional, and spatial information, amino acid conservation, physicochemical variation, residue mobility, and thermodynamic stability) indicates that this missense variant is not expected to disrupt NF1 protein function with a negative predictive value of 95%. In summary, the available evidence is currently insufficient to determine the role of this variant in disease. Therefore, it has been classified as a Variant of Uncertain Significance.

Ambry Genetics
Classification: Uncertain significance for Cardiovascular phenotype; Hereditary cancer-predisposing syndrome. Last evaluated: 2023-12-13. Review status: criteria provided, single submitter. Criteria: Ambry Variant Classification Scheme 2023. Collection method: clinical testing. Allele origin: germline.
Comment: The p.A966G variant (also known as c.2897C>G), located in coding exon 22 of the NF1 gene, results from a C to G substitution at nucleotide position 2897. The alanine at codon 966 is replaced by glycine, an amino acid with similar properties. This amino acid position is highly conserved in available vertebrate species. In addition, the in silico prediction for this alteration is inconclusive. Since supporting evidence is limited at this time, the clinical significance of this alteration remains unclear.

Genome-Nilou Lab
Classification: Uncertain significance for Neurofibromatosis, type 1. Last evaluated: 2022-03-15. Review status: criteria provided, single submitter. Criteria: ACMG Guidelines, 2015. Collection method: clinical testing. Allele origin: germline. Affected: no.

Mendelics
Classification: Uncertain significance for Neurofibromatosis, type 1. Last evaluated: 2018-07-02. Review status: criteria provided, single submitter. Criteria: Mendelics Assertion Criteria 2017. Collection method: clinical testing. Allele origin: unknown.

NM_001042492.3(NF1):c.2897C>G (p.Ala966Gly)

Gene: NF1 (neurofibromin 1; plus strand). Cytogenetic location: 17q11.2.
Variant type: single nucleotide variant.
Coding change: c.2897C>G on transcript NM_001042492.3 (MANE Select); coding-DNA position 2897, C replaced by G.
Protein change: p.Ala966Gly; replaces alanine 966 with glycine.
Molecular consequence: missense variant.
Genome position (GRCh38, 1-based): chr17:31,229,881, C>G. VCF-style: chr17-31229881-C-G. GRCh37 (hg19) VCF-style: chr17-29556899-C-G.
Other names: c.2897C>G, p.Ala966Gly (NM_000267.4); short protein forms A966G.
Identifiers: ClinVar variation 584929 (VCV000584929.13), dbSNP rs1567849533, ClinGen allele CA398986116.